The following is an entry in ClinVar:

ClinVar aggregate classification (germline): Likely pathogenic (1 of 4 stars; one submission).

Conditions:
Glycogen storage disease, type V (GSD5). Also called: MCARDLE DISEASE; MUSCLE GLYCOGEN PHOSPHORYLASE DEFICIENCY; MYOPHOSPHORYLASE DEFICIENCY; PYGM DEFICIENCY; McArdle type glycogen storage disease. Identifiers: Orphanet 368, MedGen C0017924, MONDO:0009293, OMIM 232600.

Submission:

Juno Genomics, Hangzhou Juno Genomics, Inc
Classification: Likely pathogenic for Glycogen storage disease, type V. Review status: criteria provided, single submitter. Criteria: ACMG Guidelines, 2015. Collection method: clinical testing. Allele origin: germline.
Comment: Absent from controls (or at extremely low frequency if recessive) in Genome Aggregation Database.;Null variant in a gene where loss of function (LOF) is a known mechanism of disease.

NM_005609.4(PYGM):c.1816_1819del (p.Ile606fs)

Gene: PYGM (glycogen phosphorylase, muscle associated; minus strand). Cytogenetic location: 11q13.1.
Variant type: Deletion.
Coding change: c.1816_1819del on transcript NM_005609.4 (MANE Select); coding-DNA positions 1816 to 1819, 4 bases deleted (ATTG; older notation c.1816_1819delATTG).
Protein change: p.Ile606fs; shifts the reading frame from isoleucine 606.
Molecular consequence: frameshift variant.
Genome position (GRCh38, 1-based): chr11:64,751,605-64,751,608, CAAT deleted on the plus strand (ATTG on the coding strand, the reverse complement: PYGM is on the minus strand); deleting any 4 consecutive bases within chr11:64,751,605-64,751,610 gives the same sequence; the c. name uses the placement nearest the transcript's 3' end. VCF-style (leftmost placement, unchanged base first): chr11-64751604-CCAAT-C. GRCh37 (hg19) VCF-style: chr11-64519076-CCAAT-C.
Other names: c.1552_1555del, p.Ile518fs (NM_001164716.1); short protein forms I518fs, I606fs.
Identifiers: ClinVar variation 5018862 (VCV005018862.2).